The following is an entry in ClinVar:

ClinVar aggregate classification (germline): Conflicting classifications of pathogenicity. Review status: criteria provided, conflicting classifications (1 of 4 stars). 2 submissions from 2 submitters: Likely pathogenic (1); Uncertain significance (1). Last evaluated 2024-05-17.

Conditions:
Autosomal recessive Alport syndrome (ATS2). Also called: COL4A3-Related Nephropathy; COL4A4 Alport Syndrome and Thin Basement Membrane Nephropathy; ALPORT SYNDROME 2, AUTOSOMAL RECESSIVE; Alport syndrome type 2. Identifiers: Orphanet 63, Orphanet 88919, MedGen C4746745, MONDO:0008762, OMIM 203780.
Hematuria, benign familial, 1 (BFH1). Also called: THIN MEMBRANE NEPHROPATHY. Identifiers: MedGen CN376803, MONDO:0007709, OMIM 141200.

Allele frequency attached by ClinVar (database versions not stated): TOPMed below 0.00001; gnomAD 0.00001.
gnomAD v4.1: 1 of 1,606,116 alleles (0.000062%); highest among the groups gnomAD compares: East Asian, 0.0022%; no homozygotes.

Submissions (2):

Fulgent Genetics
Classification: Likely pathogenic for Hematuria, benign familial, 1; Autosomal recessive Alport syndrome. Last evaluated: 2024-05-17. Review status: criteria provided, single submitter. Criteria: ACMG Guidelines, 2015. Collection method: clinical testing. Allele origin: germline.

Women's Health and Genetics/Laboratory Corporation of America, LabCorp
Classification: Uncertain significance. Last evaluated: 2024-04-25. Review status: criteria provided, single submitter. Criteria: LabCorp Variant Classification Summary - May 2015. Collection method: clinical testing. Allele origin: germline.
Comment: Variant summary: COL4A4 c.2536G>A (p.Gly846Ser) results in a non-conservative amino acid change in the encoded protein sequence. Five of five in-silico tools predict a damaging effect of the variant on protein function. The variant was absent in 236356 control chromosomes. The available data on variant occurrences in the general population are insufficient to allow any conclusion about variant significance. To our knowledge, no occurrence of c.2536G>A in individuals affected with Alport Syndrome, Autosomal Recessive and no experimental evidence demonstrating its impact on protein function have been reported. No submitters have cited clinical-significance assessments for this variant to ClinVar. Based on the evidence outlined above, the variant was classified as uncertain significance.

NM_000092.5(COL4A4):c.2536G>A (p.Gly846Ser)

Gene: COL4A4 (collagen type IV alpha 4 chain; minus strand). Cytogenetic location: 2q36.3.
Variant type: single nucleotide variant.
Coding change: c.2536G>A on transcript NM_000092.5 (MANE Select); coding-DNA position 2536, G replaced by A.
Protein change: p.Gly846Ser; replaces glycine 846 with serine.
Molecular consequence: missense variant.
Genome position (GRCh38, 1-based): chr2:227,057,448, C>T on the plus strand (G>A on the coding strand, the complement: COL4A4 is on the minus strand). VCF-style: chr2-227057448-C-T. GRCh37 (hg19) VCF-style: chr2-227922164-C-T.
Other names: short protein forms G846S.
Identifiers: ClinVar variation 3251679 (VCV003251679.2), dbSNP rs1431303701.
Genomic context (GRCh38, chr2:227,057,448, plus strand): 5'-TTAATTGTAAGTAGGGTAAGCCCCAGACCCTTCACAGTTCTTGACACTTACCTGGGCTAC[C>T]TGGATACCCAGGGAGTCCCGGTTGCCCTGGTATCCCTGGAGCACCTCTTTCACAGGAATG-3'
Protein context (NP_000083.3, residues 836-856): PGQPGLPGYP[Gly846Ser]SPGAPGGKGQ